The following is an entry in ClinVar:

NM_000492.4(CFTR):c.4052A>G (p.Lys1351Arg)

Gene: CFTR (CF transmembrane conductance regulator; plus strand). Cytogenetic location: 7q31.2.
Variant type: single nucleotide variant.
Coding change: c.4052A>G on transcript NM_000492.4 (MANE Select); coding-DNA position 4052, A replaced by G.
Protein change: p.Lys1351Arg; replaces lysine 1351 with arginine.
Molecular consequence: missense variant.
Genome position (GRCh38, 1-based): chr7:117,664,776, A>G. VCF-style: chr7-117664776-A-G. GRCh37 (hg19) VCF-style: chr7-117304830-A-G.
Other names: short protein forms K1351R.
Identifiers: ClinVar variation 3896034 (VCV003896034.1).

ClinVar aggregate classification (germline): Uncertain significance (1 of 4 stars; one submission).

Submission:

Women's Health and Genetics/Laboratory Corporation of America, LabCorp
Classification: Uncertain significance. Last evaluated: 2025-03-21. Review status: criteria provided, single submitter. Criteria: LabCorp Variant Classification Summary - May 2015. Collection method: clinical testing. Allele origin: germline.
Comment: Variant summary: CFTR c.4052A>G (p.Lys1351Arg) results in a conservative amino acid change in the encoded protein sequence. Four of five in-silico tools predict a benign effect of the variant on protein function. The variant was absent in 251210 control chromosomes. The available data on variant occurrences in the general population are insufficient to allow any conclusion about variant significance. c.4052A>G has been reported in the literature in at least one individuals affected with non-CBAVD obstructive azoospermia (e.g., Sharma_2014). However, these report(s) do not provide unequivocal conclusions about association of the variant with cystic fibrosis and other CFTR-related conditions. To our knowledge, no experimental evidence demonstrating an impact on protein function has been reported. The following publication has been ascertained in the context of this evaluation (PMID: 25010724). No submitters have cited clinical-significance assessments for this variant to ClinVar. Based on the evidence outlined above, the variant was classified as uncertain significance.

Literature cited by the submitters: PubMed 25010724.